The following is an entry in ClinVar:

ClinVar aggregate classification (germline): Uncertain significance. Review status: criteria provided, multiple submitters, no conflicts (2 of 4 stars). 2 submissions from 2 submitters: Uncertain significance (2). Last evaluated 2025-12-08.

Conditions:
Periodic fever-infantile enterocolitis-autoinflammatory syndrome. Also called: Autoinflammation with infantile enterocolitis. Identifiers: Orphanet 436166, MedGen C4015067, MONDO:0014472, OMIM 616050.
Familial cold autoinflammatory syndrome 4 (FCAS4). Identifiers: Orphanet 47045, Orphanet 576349, MedGen C4015276, MONDO:0014498, OMIM 616115.
Inborn genetic diseases. Identifiers: MedGen C0950123, MeSH D030342.

Allele frequency attached by ClinVar (database versions not stated): ExAC 0.00002; gnomAD exomes below 0.00001; TOPMed 0.00001.
gnomAD v4.1: 4 of 1,614,106 alleles (0.00025%); highest among the groups gnomAD compares: Admixed American, 0.005%; no homozygotes.

Submissions (2):

Labcorp Genetics (formerly Invitae), Labcorp
Classification: Uncertain significance for Periodic fever-infantile enterocolitis-autoinflammatory syndrome; Familial cold autoinflammatory syndrome 4. Last evaluated: 2025-12-08. Review status: criteria provided, single submitter. Criteria: Invitae Variant Classification Sherloc (09022015). Collection method: clinical testing. Allele origin: germline.
Comment: This sequence change replaces arginine, which is basic and polar, with cysteine, which is neutral and slightly polar, at codon 148 of the NLRC4 protein (p.Arg148Cys). This variant is present in population databases (rs774744413, gnomAD 0.009%). This variant has not been reported in the literature in individuals affected with NLRC4-related conditions. ClinVar contains an entry for this variant (Variation ID: 2041740). Invitae Evidence Modeling of protein sequence and biophysical properties (such as structural, functional, and spatial information, amino acid conservation, physicochemical variation, residue mobility, and thermodynamic stability) indicates that this missense variant is expected to disrupt NLRC4 protein function with a positive predictive value of 80%. In summary, the available evidence is currently insufficient to determine the role of this variant in disease. Therefore, it has been classified as a Variant of Uncertain Significance.

Ambry Genetics
Classification: Uncertain significance for Inborn genetic diseases. Last evaluated: 2022-04-13. Review status: criteria provided, single submitter. Criteria: Ambry Variant Classification Scheme 2023. Collection method: clinical testing. Allele origin: germline.

NM_001199138.2(NLRC4):c.442C>T (p.Arg148Cys)

Gene: NLRC4 (NLR family CARD domain containing 4; minus strand). Cytogenetic location: 2p22.3.
Variant type: single nucleotide variant.
Coding change: c.442C>T on transcript NM_001199138.2 (MANE Select); coding-DNA position 442, C replaced by T.
Protein change: p.Arg148Cys; replaces arginine 148 with cysteine.
Molecular consequence: missense variant. On other transcripts: intron variant (1).
Genome position (GRCh38, 1-based): chr2:32,251,422, G>A on the plus strand (C>T on the coding strand, the complement: NLRC4 is on the minus strand). VCF-style: chr2-32251422-G-A. GRCh37 (hg19) VCF-style: chr2-32476491-G-A.
Other names: c.442C>T, p.Arg148Cys (NM_001199139.2, NM_021209.5); c.262+997C>T (NM_001302504.1); short protein forms R148C.
Identifiers: ClinVar variation 2041740 (VCV002041740.5), dbSNP rs774744413, ClinGen allele CA1602143.
Genomic context (GRCh38, chr2:32,251,422, plus strand): 5'-CAATGATGCAGGGGCTCTGAAGAGCCTGCAGGAGGCCATTCAGGGTCAGCTGCTCCACGC[G>A]GTGATGGTGTTGGTCCTTCCTCCACAGGACAGGTTCTGTGAAGGTGCTTTTCAAGTTAAA-3'
Protein context (NP_001186067.1, residues 138-158): VLWRKDQHHH[Arg148Cys]VEQLTLNGLL